The following is an entry in ClinVar:

ClinVar aggregate classification (germline): Uncertain significance (1 of 4 stars; one submission).

Conditions:
Hereditary cancer-predisposing syndrome. Also called: Neoplastic Syndromes, Hereditary; Hereditary Cancer Syndrome; Hereditary neoplastic syndrome; Tumor predisposition. Identifiers: Orphanet 140162, MedGen C0027672, MeSH D009386, MONDO:0015356.

Submission:

Ambry Genetics
Classification: Uncertain significance for Hereditary cancer-predisposing syndrome. Last evaluated: 2023-04-05. Review status: criteria provided, single submitter. Criteria: Ambry Variant Classification Scheme 2023. Collection method: clinical testing. Allele origin: germline.
Comment: The p.L25S variant (also known as c.74T>C), located in coding exon 2 of the SDHAF2 gene, results from a T to C substitution at nucleotide position 74. The leucine at codon 25 is replaced by serine, an amino acid with dissimilar properties. This amino acid position is conserved. In addition, this alteration is predicted to be tolerated by in silico analysis. Since supporting evidence is limited at this time, the clinical significance of this alteration remains unclear.

NM_017841.4(SDHAF2):c.74T>C (p.Leu25Ser)

Gene: SDHAF2 (succinate dehydrogenase complex assembly factor 2; plus strand). Cytogenetic location: 11q12.2.
Variant type: single nucleotide variant.
Coding change: c.74T>C on transcript NM_017841.4 (MANE Select); coding-DNA position 74, T replaced by C.
Protein change: p.Leu25Ser; replaces leucine 25 with serine.
Molecular consequence: missense variant.
Genome position (GRCh38, 1-based): chr11:61,437,662, T>C. VCF-style: chr11-61437662-T-C. GRCh37 (hg19) VCF-style: chr11-61205134-T-C.
Other names: short protein forms L25S.
Identifiers: ClinVar variation 2563440 (VCV002563440.2), dbSNP rs2540124051, ClinGen allele CA380682907.
Genomic context (GRCh38, chr11:61,437,662, plus strand): 5'-TGTTTGTGGTTTGTTCATTTCAGATGCTTGCTCTGTCAAGGCACAGCCTATTGTCTCCTT[T>C]GCTCAGTGTGACATCATTCAGACGCTTCTACAGAGGTGACAGCCCAACAGATTCCCAAAA-3'
Protein context (NP_060311.1, residues 15-35): ALSRHSLLSP[Leu25Ser]LSVTSFRRFY